The following is an entry in ClinVar:

NM_177438.3(DICER1):c.4910C>A (p.Ser1637Ter)

Gene: DICER1 (dicer 1, ribonuclease III; minus strand). Cytogenetic location: 14q32.13.
Variant type: single nucleotide variant.
Coding change: c.4910C>A on transcript NM_177438.3 (MANE Select); coding-DNA position 4910, C replaced by A.
Protein change: p.Ser1637Ter; replaces serine 1637 with a stop codon.
Molecular consequence: nonsense.
Genome position (GRCh38, 1-based): chr14:95,096,010, G>T on the plus strand (C>A on the coding strand, the complement: DICER1 is on the minus strand). VCF-style: chr14-95096010-G-T. GRCh37 (hg19) VCF-style: chr14-95562347-G-T.
Other names: c.4910C>A, p.Ser1637Ter (NM_001195573.1, NM_001271282.3, NM_001291628.2 and 1 more transcripts); short protein forms S1637*.
Identifiers: ClinVar variation 933120 (VCV000933120.3), dbSNP rs140875148, ClinGen allele CA390866336.

ClinVar aggregate classification (germline): Pathogenic (1 of 4 stars; one submission).

Conditions:
DICER1-related tumor predisposition. Also called: DICER1-related pleuropulmonary blastoma cancer predisposition syndrome; DICER1 syndrome. Identifiers: Orphanet 284343, MedGen C3839822, MONDO:0100216.

Submission:

Foulkes Cancer Genetics LDI, Lady Davis Institute for Medical Research
Classification: Pathogenic for Pleuropulmonary blastoma. Last evaluated: 2019-07-01. Review status: criteria provided, single submitter. Criteria: ACMG Guidelines, 2015. Collection method: curation. Allele origin: unknown. Affected: yes. Observed: 1 variant allele.
Comment: ACMG criteria met: PVS1, PM2, PP3

Literature cited by the submitters: PubMed 24675358.